The following is an entry in ClinVar:

ClinVar aggregate classification (germline): Conflicting classifications of pathogenicity. Review status: criteria provided, conflicting classifications (1 of 4 stars). 4 submissions from 4 submitters: Uncertain significance (1); Likely benign (2). 1 of the submissions does not count toward it. Last evaluated 2023-11-01.

Conditions:
Dystrophin deficiency.
Cardiomyopathy (CMYO). Also called: Cardiomyopathies. Identifiers: Orphanet 167848, MedGen C0878544, MONDO:0004994, HP:0001638. Inheritance: Various modes of inheritance.
Becker muscular dystrophy (BMD). Also called: Becker Muscular Dystrophy (BMD); MUSCULAR DYSTROPHY, PSEUDOHYPERTROPHIC PROGRESSIVE, BECKER TYPE. Identifiers: Orphanet 98895, MedGen C0917713, MONDO:0010311, OMIM 300376.
Duchenne muscular dystrophy (DMD). Also called: Duchenne Muscular Dystrophy (DMD); MUSCULAR DYSTROPHY, PSEUDOHYPERTROPHIC PROGRESSIVE, DUCHENNE TYPE. Identifiers: Orphanet 98896, MedGen C0013264, MONDO:0010679, OMIM 310200.
Cardiovascular phenotype. Identifiers: MedGen CN230736.

Allele frequency attached by ClinVar (database versions not stated): gnomAD 0.00001; TOPMed 0.00001.
gnomAD v4.1: 3 of 1,208,397 alleles (0.00025%); highest among the groups gnomAD compares: Non-Finnish European, 0.00034%; no homozygotes.

Submissions (4):

Labcorp Genetics (formerly Invitae), Labcorp
Classification: Likely benign for Duchenne muscular dystrophy. Last evaluated: 2023-11-01. Review status: criteria provided, single submitter. Criteria: Invitae Variant Classification Sherloc (09022015). Collection method: clinical testing. Allele origin: germline.

Ambry Genetics
Classification: Uncertain significance for Cardiovascular phenotype. Last evaluated: 2019-02-14. Review status: criteria provided, single submitter. Criteria: Ambry Variant Classification Scheme 2023. Collection method: clinical testing. Allele origin: germline.
Comment: The p.S185N variant (also known as c.554G>A), located in coding exon 7 of the DMD gene, results from a G to A substitution at nucleotide position 554. The serine at codon 185 is replaced by asparagine, an amino acid with highly similar properties. This amino acid position is not well conserved in available vertebrate species, and asparagine is the reference amino acid in other vertebrate species. In addition, this alteration is predicted to be tolerated by in silico analysis. Since supporting evidence is limited at this time, the clinical significance of this alteration remains unclear.

GeneDx
Classification: Likely benign. Last evaluated: 2017-10-30. Review status: criteria provided, single submitter. Criteria: GeneDx Variant Classification (06012015). Collection method: clinical testing. Allele origin: germline. Affected: yes.
Comment: This variant is considered likely benign or benign based on one or more of the following criteria: it is a conservative change, it occurs at a poorly conserved position in the protein, it is predicted to be benign by multiple in silico algorithms, and/or has population frequency not consistent with disease.

Natera, Inc.
Classification: Likely benign for Becker muscular dystrophy; Cardiomyopathy; Duchenne muscular dystrophy; Dystrophin deficiency. Last evaluated: 2019-02-04. Review status: no assertion criteria provided. Collection method: clinical testing. Allele origin: germline. Not counted in ClinVar's aggregate classification.

NM_004006.3(DMD):c.554G>A (p.Ser185Asn)

Gene: DMD (dystrophin; minus strand). Cytogenetic location: Xp21.1.
Variant type: single nucleotide variant.
Coding change: c.554G>A on transcript NM_004006.3 (MANE Select); coding-DNA position 554, G replaced by A.
Protein change: p.Ser185Asn; replaces serine 185 with asparagine.
Molecular consequence: missense variant.
Genome position (GRCh38, 1-based): chrX:32,809,588, C>T on the plus strand (G>A on the coding strand, the complement: DMD is on the minus strand). VCF-style: chrX-32809588-C-T. GRCh37 (hg19) VCF-style: chrX-32827705-C-T.
Other names: c.530G>A, p.Ser177Asn (NM_000109.4); c.542G>A, p.Ser181Asn (NM_004009.3); c.185G>A, p.Ser62Asn (NM_004010.3); short protein forms S185N, S177N, S181N, S62N.
Identifiers: ClinVar variation 516955 (VCV000516955.9), dbSNP rs1168876204, ClinGen allele CA412673954.